The following is an entry in ClinVar:

ClinVar aggregate classification (germline): Uncertain significance (1 of 4 stars; one submission).

Submission:

Labcorp Genetics (formerly Invitae), Labcorp
Classification: Uncertain significance. Last evaluated: 2024-01-26. Review status: criteria provided, single submitter. Criteria: Invitae Variant Classification Sherloc (09022015). Collection method: clinical testing. Allele origin: germline.
Comment: This sequence change creates a premature translational stop signal (p.Gly833Aspfs*74) in the POLA1 gene. It is expected to result in an absent or disrupted protein product. However, the current clinical and genetic evidence is not sufficient to establish whether loss-of-function variants in POLA1 cause disease. This variant is not present in population databases (gnomAD no frequency). This variant has not been reported in the literature in individuals affected with POLA1-related conditions. In summary, the available evidence is currently insufficient to determine the role of this variant in disease. Therefore, it has been classified as a Variant of Uncertain Significance.

NM_001330360.2(POLA1):c.2511del (p.Gly839fs)

Gene: POLA1 (DNA polymerase alpha 1, catalytic subunit; plus strand). Cytogenetic location: Xp22.11.
Variant type: Deletion.
Coding change: c.2511del on transcript NM_001330360.2 (MANE Select); coding-DNA position 2511, one base deleted (G; older notation c.2511delG).
Protein change: p.Gly839fs; shifts the reading frame from glycine 839.
Molecular consequence: frameshift variant. On other transcripts: non-coding transcript variant (2).
Genome position (GRCh38, 1-based): chrX:24,743,274, G deleted. VCF-style (leftmost placement, unchanged base first): chrX-24743273-AG-A. GRCh37 (hg19) VCF-style: chrX-24761390-AG-A.
Other names: c.2436del, p.Gly814fs (NM_001378303.1); c.2493del, p.Gly833fs (NM_016937.4); short protein forms G814fs, G833fs, G839fs.
Identifiers: ClinVar variation 2712457 (VCV002712457.3), dbSNP rs2518841886, ClinGen allele CA2697553006.
Genomic context (GRCh38, chrX:24,743,273, plus strand): 5'-TTTCCATTTGATATTAGGGAGATGAAGATGAAGAAATTGATGGAGATACCAATAAATACA[AG>A]AAAGGACGTAAGAAAGCAGCTTATGCTGGAGGCTTGGTTTTGGACCCCAAAGTTGGTAAG-3'